The following is an entry in ClinVar:

NM_032043.3(BRIP1):c.3004_3005insTGACAGCT (p.Trp1002fs)

Gene: BRIP1 (BRCA1 interacting DNA helicase 1; minus strand). Cytogenetic location: 17q23.2.
Variant type: Insertion.
Coding change: c.3004_3005insTGACAGCT on transcript NM_032043.3 (MANE Select); coding-DNA positions 3004 to 3005, TGACAGCT inserted.
Protein change: p.Trp1002fs; shifts the reading frame from tryptophan 1002.
Molecular consequence: frameshift variant.
Genome position: GRCh38 VCF-style: chr17-61684041-C-CAGCTGTCA. GRCh37 (hg19) VCF-style: chr17-59761402-C-CAGCTGTCA.
Other names: short protein forms W1002fs.
Identifiers: ClinVar variation 186335 (VCV000186335.24), dbSNP rs763443434, ClinGen allele CA194522.
Genomic context (GRCh38, chr17:61,684,041, plus strand): 5'-TCAGGTGTTGCCTTCGGTATTTTACCAGTAAAATACTGTCCCAAAGAATTAAAGCTTGAC[C>CAGCTGTCA]AGCTAACTCTCTTTGTTTGTTTGTTGAAAGTTGGGCTTGTGGATCTGGAAATCACAATTT-3'

ClinVar aggregate classification (germline): Conflicting classifications of pathogenicity. Review status: criteria provided, conflicting classifications (1 of 4 stars). 6 submissions from 6 submitters: Pathogenic (1); Likely pathogenic (1); Uncertain significance (3). 1 of the submissions does not count toward it. Last evaluated 2025-10-06.

Conditions:
Familial cancer of breast. Also called: BREAST CANCER, FAMILIAL; Hereditary breast cancer; hereditary breast carcinoma. Identifiers: Orphanet 227535, MedGen C0346153, MONDO:0016419, OMIM 114480. Disease mechanism: loss of function.
Fanconi anemia complementation group J. Also called: BRIP1-Related Fanconi Anemia. Identifiers: Orphanet 84, MedGen C1836860, MONDO:0012187, OMIM 609054.
Hereditary cancer-predisposing syndrome. Also called: Hereditary Cancer Syndrome; Neoplastic Syndromes, Hereditary; Tumor predisposition; Hereditary neoplastic syndrome. Identifiers: Orphanet 140162, MedGen C0027672, MeSH D009386, MONDO:0015356.
BRIP1-related disorder. Also called: BRIP1-related condition; BRIP1-related disorders. Identifiers: MedGen CN239206.

Submissions (6):

Quest Diagnostics Nichols Institute San Juan Capistrano
Classification: Uncertain significance. Last evaluated: 2025-10-06. Review status: criteria provided, single submitter. Criteria: Quest Diagnostics criteria. Collection method: clinical testing. Allele origin: unknown.
Comment: The BRIP1 c.3004_3005insTGACAGCT (p.Trp1002Leufs*60) frameshift variant occurs in the last exon of the BRIP1 gene, and is not expected to trigger nonsense-mediated decay, but disrupts the last 248 amino acids of the BRIP1 protein. This variant has not been reported in individuals with BRIP1-related conditions in the published literature. The frequency of this variant in the general population (Genome Aggregation Database) is uninformative in the assessment of its pathogenicity. Based on the available information, we are unable to determine the clinical significance of this variant.

Labcorp Genetics (formerly Invitae), Labcorp
Classification: Uncertain significance for Familial cancer of breast; Fanconi anemia complementation group J. Last evaluated: 2025-07-17. Review status: criteria provided, single submitter. Criteria: Invitae Variant Classification Sherloc (09022015). Collection method: clinical testing. Allele origin: germline.
Comment: This sequence change creates a premature translational stop signal (p.Trp1002Leufs*60) in the BRIP1 gene. While this is not anticipated to result in nonsense mediated decay, it is expected to disrupt the last 248 amino acid(s) of the BRIP1 protein. This variant is present in population databases (rs763443434, gnomAD 0.008%). This variant has not been reported in the literature in individuals affected with BRIP1-related conditions. ClinVar contains an entry for this variant (Variation ID: 186335). In summary, the available evidence is currently insufficient to determine the role of this variant in disease. Therefore, it has been classified as a Variant of Uncertain Significance.

Ambry Genetics
Classification: Uncertain significance for Hereditary cancer-predisposing syndrome. Last evaluated: 2025-04-28. Review status: criteria provided, single submitter. Criteria: Ambry Variant Classification Scheme 2023. Collection method: clinical testing. Allele origin: germline.
Comment: The c.3004_3005insTGACAGCT variant, located in coding exon 19 of the BRIP1 gene, results from an insertion of 8 nucleotides at position 3004, causing a translational frameshift with a predicted alternate stop codon (p.W1002Lfs*60). This stop codon occurs at the 3' terminus of BRIP1, is not expected to trigger nonsense-mediated mRNA decay, and impacts only the last 248 amino acids of the protein. The exact functional effect of this alteration is unknown. While the C-terminal region of the BRIP1 protein has been shown by structural, biochemical, and mutational analysis to be relevant for some aspects of BRIP1 protein function (Gong Z et al. Mol. Cell, 2010 Feb;37:438-46; Leung CC et al. J. Biol. Chem. 2011 Feb; 286(6):4292-301; Xie J et al. PLoS Genet. 2012 Jul; 8(7):e1002786), functional studies have shown that truncations in the 3' terminus of BRIP1 display normal function in response to intra-strand cross-linking agents (Calvo JA et al. Mol Cancer Res, 2021 Jun;19:1015-1025). In addition, 3' truncations in BRIP1 occurring upstream of this variant have been detected in the homozygous or compound heterozygous state in individuals with no reported features of BRIP1-related Fanconi Anemia (FA-J) (Ambry internal data). Based on the available evidence, the clinical significance of this variant remains unclear.

Baylor Genetics
Classification: Likely pathogenic for Familial cancer of breast. Last evaluated: 2023-09-12. Review status: criteria provided, single submitter. Criteria: ACMG Guidelines, 2015. Collection method: clinical testing. Allele origin: unknown.

Myriad Genetics, Inc.
Classification: Pathogenic for Familial cancer of breast. Last evaluated: 2023-06-07. Review status: criteria provided, single submitter. Criteria: Myriad Autosomal Dominant, Autosomal Recessive and X-Linked Classification Criteria (2023). Collection method: clinical testing. Allele origin: unknown.
Comment: This variant is considered pathogenic. This variant creates a frameshift predicted to result in premature protein truncation.

PreventionGenetics, part of Exact Sciences
Classification: Likely pathogenic for BRIP1-related condition. Last evaluated: 2024-03-19. Review status: no assertion criteria provided. Collection method: clinical testing. Allele origin: germline. Not counted in ClinVar's aggregate classification.
Comment: The BRIP1 c.3004_3005insTGACAGCT variant is predicted to result in a frameshift and premature protein termination (p.Trp1002Leufs*60). This frameshift variant is located in the last exon of BRIP1; thus this variant is not expected to result in nonsense-mediated mRNA decay. However loss of function variants downstream of this variant have been reported in BRIP1 associated disorders indicating the truncated region is important (example, Ramus. 2015. PubMed ID: 26315354). This variant is reported in 0.0080% of alleles in individuals of African descent in gnomAD. This variant is interpreted as pathogenic or likely pathogenic in ClinVar. This variant is interpreted as likely pathogenic.

Literature cited by the submitters: PubMed 29922827 (cited by Quest Diagnostics Nichols Institute San Juan Capistrano); PubMed 18628483 (cited by Quest Diagnostics Nichols Institute San Juan Capistrano); PubMed 33619228 (cited by Quest Diagnostics Nichols Institute San Juan Capistrano).